The following is an entry in ClinVar:

NM_032119.4(ADGRV1):c.10974G>C (p.Gln3658His)

Gene: ADGRV1 (adhesion G protein-coupled receptor V1; plus strand). Cytogenetic location: 5q14.3.
Variant type: single nucleotide variant.
Coding change: c.10974G>C on transcript NM_032119.4 (MANE Select); coding-DNA position 10974, G replaced by C.
Protein change: p.Gln3658His; replaces glutamine 3658 with histidine.
Molecular consequence: missense variant. On other transcripts: non-coding transcript variant (1).
Genome position (GRCh38, 1-based): chr5:90,745,795, G>C. VCF-style: chr5-90745795-G-C. GRCh37 (hg19) VCF-style: chr5-90041612-G-C.
Other names: short protein forms Q3658H.
Identifiers: ClinVar variation 1028425 (VCV001028425.1), dbSNP rs794727754, ClinGen allele CA360409795.

ClinVar aggregate classification (germline): Uncertain significance (1 of 4 stars; one submission).

Conditions:
Usher syndrome type 2C. Also called: Usher syndrome, type 2B; USHER SYNDROME, TYPE IIC. Identifiers: Orphanet 231178, Orphanet 886, MedGen C2931213, MONDO:0011558, OMIM 605472.

Allele frequency attached by ClinVar (database versions not stated): gnomAD exomes below 0.00001.
gnomAD v4.1: 1 of 1,562,436 alleles (0.000064%); highest among the groups gnomAD compares: Admixed American, 0.0017%; no homozygotes.

Submission:

Baylor Genetics
Classification: Uncertain significance for Usher syndrome type 2C. Last evaluated: 2019-04-11. Review status: criteria provided, single submitter. Criteria: ACMG Guidelines, 2015. Collection method: clinical testing. Allele origin: unknown. Affected: yes.
Comment: This variant was determined to be of uncertain significance according to ACMG Guidelines, 2015 [PMID:25741868].